The following is an entry in ClinVar:

ClinVar aggregate classification (germline): Conflicting classifications of pathogenicity. Review status: criteria provided, conflicting classifications (1 of 4 stars). 2 submissions from 2 submitters: Uncertain significance (1); Likely benign (1). Last evaluated 2024-07-01.

Submissions (2):

CeGaT Center for Human Genetics Tuebingen
Classification: Uncertain significance. Last evaluated: 2024-07-01. Review status: criteria provided, single submitter. Criteria: CeGaT Center For Human Genetics Tuebingen Variant Classification Criteria Version 2. Collection method: clinical testing. Allele origin: germline. Affected: yes. Observed: 1 variant allele.
Comment: TTN: PM2, BP4

GeneDx
Classification: Likely benign. Last evaluated: 2018-01-15. Review status: criteria provided, single submitter. Criteria: GeneDx Variant Classification (06012015). Collection method: clinical testing. Allele origin: germline. Affected: yes.
Comment: This variant is considered likely benign or benign based on one or more of the following criteria: it is a conservative change, it occurs at a poorly conserved position in the protein, it is predicted to be benign by multiple in silico algorithms, and/or has population frequency not consistent with disease.

NM_001267550.2(TTN):c.37414G>A (p.Glu12472Lys)

Gene: TTN (titin; minus strand). Cytogenetic location: 2q31.2.
Variant type: single nucleotide variant.
Coding change: c.37414G>A on transcript NM_001267550.2 (MANE Select); coding-DNA position 37414, G replaced by A.
Protein change: p.Glu12472Lys; replaces glutamic acid 12472 with lysine.
Molecular consequence: missense variant. On other transcripts: intron variant (3).
Genome position (GRCh38, 1-based): chr2:178,659,044, C>T on the plus strand (G>A on the coding strand, the complement: TTN is on the minus strand). VCF-style: chr2-178659044-C-T. GRCh37 (hg19) VCF-style: chr2-179523771-C-T.
Other names: c.34483G>A, p.Glu11495Lys (NM_001256850.1); c.31702G>A, p.Glu10568Lys (NM_133378.4); c.13283-16727G>A (NM_003319.4); c.13859-16727G>A (NM_133437.4); c.13658-16727G>A (NM_133432.3); short protein forms E11495K, E12472K, E10568K.
Identifiers: ClinVar variation 514827 (VCV000514827.18), dbSNP rs1553782108, ClinGen allele CA349485068.
Genomic context (GRCh38, chr2:178,659,044, plus strand): 5'-TTTGTATAGCTTTGGCATTACCTTCAGGGGGAGGACTTTCCGGTTTGGGAGGAATAGCTT[C>T]AGGCACCTTCTTTTCTGGGACAGCTGCCTTTGGCACCTCTGGGACTTTAAAGATATTAGT-3'
Protein context (NP_001254479.2, residues 12462-12482): KAAVPEKKVP[Glu12472Lys]AIPPKPESPP